The following is an entry in ClinVar:

NM_007294.4(BRCA1):c.3160G>T (p.Val1054Leu)

Gene: BRCA1 (BRCA1 DNA repair associated; minus strand). Cytogenetic location: 17q21.31.
Variant type: single nucleotide variant.
Coding change: c.3160G>T on transcript NM_007294.4 (MANE Select); coding-DNA position 3160, G replaced by T.
Protein change: p.Val1054Leu; replaces valine 1054 with leucine.
Molecular consequence: missense variant. On other transcripts: intron variant (137).
Genome position (GRCh38, 1-based): chr17:43,092,371, C>A on the plus strand (G>T on the coding strand, the complement: BRCA1 is on the minus strand). VCF-style: chr17-43092371-C-A. GRCh37 (hg19) VCF-style: chr17-41244388-C-A.
Other names: c.671-1339G>T (NM_001408420.1, NM_001408423.1, NM_001408419.1 and 2 more transcripts); c.788-1339G>T (NM_001408404.1, NM_001408472.1, NM_001407990.1 and 17 more transcripts); c.788-232G>T (NM_001407969.1, NM_001407968.1); c.578-1339G>T (NM_001408492.1, NM_001408513.1, NM_001408489.1 and 9 more transcripts); c.644-1339G>T (NM_001408468.1, NM_001408470.1, NM_001408464.1 and 3 more transcripts); c.524-1339G>T (NM_001408501.1, NM_001408500.1, NM_001408497.1 and 3 more transcripts); c.647-1339G>T (NM_001408455.1, NM_001408466.1, NM_001408452.1 and 11 more transcripts); c.521-1339G>T (NM_001408503.1, NM_001408505.1, NM_001408504.1); and 41 more; short protein forms V1054L, V1007L, V943L, V984L, V1012L, V1027L, V927L, V965L.
Identifiers: ClinVar variation 1522881 (VCV001522881.11), dbSNP rs876658479, ClinGen allele CA10595662.

ClinVar aggregate classification (germline): Conflicting classifications of pathogenicity. Review status: criteria provided, conflicting classifications (1 of 4 stars). 2 submissions from 2 submitters: Uncertain significance (1); Likely benign (1). Last evaluated 2023-03-23.

Conditions:
Hereditary cancer-predisposing syndrome. Also called: Hereditary neoplastic syndrome; Hereditary Cancer Syndrome; Tumor predisposition; Neoplastic Syndromes, Hereditary. Identifiers: Orphanet 140162, MedGen C0027672, MeSH D009386, MONDO:0015356.
Hereditary breast ovarian cancer syndrome. Also called: Hereditary breast and ovarian cancer syndrome; Hereditary breast and/or ovarian cancer syndrome; BRCA1- and BRCA2-Associated Hereditary Breast and Ovarian Cancer; Hereditary breast and ovarian cancer syndrome (HBOC); Breast and ovarian cancer; Hereditary breast and ovarian cancer. Identifiers: Orphanet 145, MedGen C0677776, MeSH D061325, MONDO:0003582. Disease mechanism: loss of function.

Submissions (2):

University of Washington Department of Laboratory Medicine, University of Washington
Classification: Likely benign for Hereditary cancer-predisposing syndrome. Last evaluated: 2023-03-23. Review status: criteria provided, single submitter. Criteria: Dines et al. (Genet Med. 2020). Collection method: curation. Allele origin: germline.
Comment: Missense variant in a coldspot region where missense variants are very unlikely to be pathogenic (PMID:31911673).

BRCA1 coldspot (exon 11 using historical exon numbering). Reclassification based on statistical prior probability

Labcorp Genetics (formerly Invitae), Labcorp
Classification: Uncertain significance for Hereditary breast ovarian cancer syndrome. Last evaluated: 2021-04-08. Review status: criteria provided, single submitter. Criteria: Invitae Variant Classification Sherloc (09022015). Collection method: clinical testing. Allele origin: germline.
Comment: In summary, the available evidence is currently insufficient to determine the role of this variant in disease. Therefore, it has been classified as a Variant of Uncertain Significance. Advanced modeling of protein sequence and biophysical properties (such as structural, functional, and spatial information, amino acid conservation, physicochemical variation, residue mobility, and thermodynamic stability) performed at Invitae indicates that this missense variant is not expected to disrupt BRCA1 protein function. This variant has not been reported in the literature in individuals with BRCA1-related conditions. This variant is not present in population databases (ExAC no frequency). This sequence change replaces valine with leucine at codon 1054 of the BRCA1 protein (p.Val1054Leu). The valine residue is moderately conserved and there is a small physicochemical difference between valine and leucine.